The following is an entry in ClinVar:

ClinVar aggregate classification (germline): Uncertain significance. Review status: criteria provided, multiple submitters, no conflicts (2 of 4 stars). 3 submissions from 3 submitters: Uncertain significance (3). Last evaluated 2025-10-20.

Conditions:
Ehlers-Danlos syndrome, classic type, 1 (EDSCL1). Also called: Ehlers-Danlos Syndrome, Classic Type, COL5A1-Related; EDS I; Ehlers-Danlos syndrome, type 1; EHLERS-DANLOS SYNDROME, GRAVIS TYPE; EHLERS-DANLOS SYNDROME, SEVERE CLASSIC TYPE. Identifiers: MedGen C0268335, MONDO:0019567, OMIM 130000.

Allele frequency attached by ClinVar (database versions not stated): gnomAD exomes 0.00002; gnomAD 0.00002; TOPMed 0.00002; ExAC 0.00002.
gnomAD v4.1: 29 of 1,613,542 alleles (0.0018%); highest among the groups gnomAD compares: East Asian, 0.0022%; no homozygotes.

Submissions (3):

Mayo Clinic Laboratories, Mayo Clinic
Classification: Uncertain significance. Last evaluated: 2025-10-20. Review status: criteria provided, single submitter. Criteria: ACMG Guidelines, 2015. Collection method: clinical testing. Allele origin: germline. Observed: 1 variant allele.
Comment: BP2, PP3

GeneDx
Classification: Uncertain significance. Last evaluated: 2019-07-15. Review status: criteria provided, single submitter. Criteria: GeneDx Variant Classification Process June 2021. Collection method: clinical testing. Allele origin: germline. Affected: yes.
Comment: Has not been previously published as pathogenic or benign to our knowledge; Not observed at a significant frequency in large population cohorts (Lek et al., 2016); In silico analysis, which includes protein predictors and evolutionary conservation, supports a deleterious effect; Not located in the triple helical region, where the majority of pathogenic missense variants occur (Symoens et al., 2012; Stenson et al., 2014); Reported in ClinVar but additional evidence is not available (ClinVar Variant ID# 577649; Landrum et al., 2016)

Labcorp Genetics (formerly Invitae), Labcorp
Classification: Uncertain significance for Ehlers-Danlos syndrome, classic type, 1. Last evaluated: 2018-01-24. Review status: criteria provided, single submitter. Criteria: Invitae Variant Classification Sherloc (09022015). Collection method: clinical testing. Allele origin: germline.
Comment: This sequence change replaces arginine with tryptophan at codon 1453 of the COL5A2 protein (p.Arg1453Trp). The arginine residue is highly conserved and there is a moderate physicochemical difference between arginine and tryptophan. In summary, the available evidence is currently insufficient to determine the role of this variant in disease. Therefore, it has been classified as a Variant of Uncertain Significance. This variant has not been reported in the literature in individuals with COL5A2-related disease. This variant is present in population databases (rs760569641, ExAC 0.006%). Algorithms developed to predict the effect of missense changes on protein structure and function do not agree on the potential impact of this missense change (SIFT: "Deleterious"; PolyPhen-2: "Probably damaging"; Align-GVGD: "Class C0").

NM_000393.5(COL5A2):c.4357C>T (p.Arg1453Trp)

Gene: COL5A2 (collagen type V alpha 2 chain; minus strand). Cytogenetic location: 2q32.2.
Variant type: single nucleotide variant.
Coding change: c.4357C>T on transcript NM_000393.5 (MANE Select); coding-DNA position 4357, C replaced by T.
Protein change: p.Arg1453Trp; replaces arginine 1453 with tryptophan.
Molecular consequence: missense variant.
Genome position (GRCh38, 1-based): chr2:189,034,213, G>A on the plus strand (C>T on the coding strand, the complement: COL5A2 is on the minus strand). VCF-style: chr2-189034213-G-A. GRCh37 (hg19) VCF-style: chr2-189898939-G-A.
Other names: p.Arg1453Trp; short protein forms R1453W.
Identifiers: ClinVar variation 577649 (VCV000577649.12), dbSNP rs760569641, ClinGen allele CA2021791.